The following is an entry in ClinVar:

NM_199420.4(POLQ):c.3312T>G (p.Ser1104Arg)

Gene: POLQ (DNA polymerase theta; minus strand). Cytogenetic location: 3q13.33.
Variant type: single nucleotide variant.
Coding change: c.3312T>G on transcript NM_199420.4 (MANE Select); coding-DNA position 3312, T replaced by G.
Protein change: p.Ser1104Arg; replaces serine 1104 with arginine.
Molecular consequence: missense variant.
Genome position (GRCh38, 1-based): chr3:121,489,619, A>C on the plus strand (T>G on the coding strand, the complement: POLQ is on the minus strand). VCF-style: chr3-121489619-A-C. GRCh37 (hg19) VCF-style: chr3-121208466-A-C.
Other names: short protein forms S1104R.
Identifiers: ClinVar variation 2448949 (VCV002448949.2), dbSNP rs2546787564, ClinGen allele CA354100734.

ClinVar aggregate classification (germline): Uncertain significance (1 of 4 stars; one submission).

Allele frequency attached by ClinVar (database versions not stated): gnomAD exomes below 0.00001.
gnomAD v4.1: 1 of 1,613,756 alleles (0.000062%); highest among the groups gnomAD compares: Non-Finnish European, 0.000085%; no homozygotes.

Submission:

Ambry Genetics
Classification: Uncertain significance. Last evaluated: 2022-12-23. Review status: criteria provided, single submitter. Criteria: Ambry Variant Classification Scheme 2023. Collection method: clinical testing. Allele origin: germline.
Comment: The p.S1104R variant (also known as c.3312T>G), located in coding exon 16 of the POLQ gene, results from a T to G substitution at nucleotide position 3312. The serine at codon 1104 is replaced by arginine, an amino acid with dissimilar properties. This amino acid position is conserved. In addition, this alteration is predicted to be tolerated by in silico analysis. Since supporting evidence is limited at this time, the clinical significance of this alteration remains unclear.